The following is an entry in ClinVar:

NM_007294.4(BRCA1):c.1690A>T (p.Asn564Tyr)

Gene: BRCA1 (BRCA1 DNA repair associated; minus strand). Cytogenetic location: 17q21.31.
Variant type: single nucleotide variant.
Coding change: c.1690A>T on transcript NM_007294.4 (MANE Select); coding-DNA position 1690, A replaced by T.
Protein change: p.Asn564Tyr; replaces asparagine 564 with tyrosine.
Molecular consequence: missense variant. On other transcripts: intron variant (137).
Genome position (GRCh38, 1-based): chr17:43,093,841, T>A on the plus strand (A>T on the coding strand, the complement: BRCA1 is on the minus strand). VCF-style: chr17-43093841-T-A. GRCh37 (hg19) VCF-style: chr17-41245858-T-A.
Other names: 1809A>T; c.1477A>T, p.Asn493Tyr (NM_001407571.1, NM_001407853.1, NM_001407894.1 and 9 more transcripts); c.1690A>T, p.Asn564Tyr (NM_001407581.1, NM_001407582.1, NM_001407583.1 and 30 more transcripts); c.1687A>T, p.Asn563Tyr (NM_001407587.1, NM_001407590.1, NM_001407591.1 and 22 more transcripts); c.1681A>T, p.Asn561Tyr (NM_001407646.1, NM_001407647.1); c.1567A>T, p.Asn523Tyr (NM_001407648.1, NM_001407664.1, NM_001407665.1 and 19 more transcripts); c.1564A>T, p.Asn522Tyr (NM_001407649.1, NM_001407670.1, NM_001407671.1 and 11 more transcripts); c.1612A>T, p.Asn538Tyr (NM_001407653.1, NM_001407654.1, NM_001407655.1 and 4 more transcripts); and 41 more; short protein forms N564Y, N517Y, N496Y, N538Y, N268Y, N436Y, N475Y, N494Y.
Identifiers: ClinVar variation 37427 (VCV000037427.13), dbSNP rs397507191, ClinGen allele CA001110.

ClinVar aggregate classification (germline): Conflicting classifications of pathogenicity. Review status: criteria provided, conflicting classifications (1 of 4 stars). 3 submissions from 3 submitters: Uncertain significance (1); Likely benign (1). 1 of the submissions does not count toward it. Last evaluated 2023-03-23.

Conditions:
Hereditary cancer-predisposing syndrome. Also called: Tumor predisposition; Neoplastic Syndromes, Hereditary; Hereditary Cancer Syndrome; Hereditary neoplastic syndrome. Identifiers: Orphanet 140162, MedGen C0027672, MeSH D009386, MONDO:0015356.
Hereditary breast ovarian cancer syndrome. Also called: Hereditary breast and ovarian cancer syndrome (HBOC); Hereditary breast and ovarian cancer syndrome; Hereditary breast and ovarian cancer; Hereditary breast and/or ovarian cancer syndrome; Breast and ovarian cancer; BRCA1- and BRCA2-Associated Hereditary Breast and Ovarian Cancer. Identifiers: Orphanet 145, MedGen C0677776, MeSH D061325, MONDO:0003582. Disease mechanism: loss of function.
Breast-ovarian cancer, familial, susceptibility to, 1 (BROVCA1). Also called: OVARIAN CANCER, SUSCEPTIBILITY TO; BRCA1 Hereditary Breast and Ovarian Cancer. Identifiers: Orphanet 145, MedGen C2676676, MONDO:0011450, OMIM 604370. Disease mechanism: loss of function.

Submissions (3):

University of Washington Department of Laboratory Medicine, University of Washington
Classification: Likely benign for Hereditary cancer-predisposing syndrome. Last evaluated: 2023-03-23. Review status: criteria provided, single submitter. Criteria: Dines et al. (Genet Med. 2020). Collection method: curation. Allele origin: germline.
Comment: Missense variant in a coldspot region where missense variants are very unlikely to be pathogenic (PMID:31911673).

BRCA1 coldspot (exon 11 using historical exon numbering). Reclassification based on statistical prior probability

Labcorp Genetics (formerly Invitae), Labcorp
Classification: Uncertain significance for Hereditary breast ovarian cancer syndrome. Last evaluated: 2017-06-13. Review status: criteria provided, single submitter. Criteria: Invitae Variant Classification Sherloc (09022015). Collection method: clinical testing. Allele origin: germline.
Comment: Algorithms developed to predict the effect of sequence changes on RNA splicing suggest that this variant may create or strengthen a splice site, but this prediction has not been confirmed by published transcriptional studies. Algorithms developed to predict the effect of missense changes on protein structure and function do not agree on the potential impact of this missense change (SIFT: "Deleterious"; PolyPhen-2: "Possibly Damaging"; Align-GVGD: "Class C0"). This variant has not been reported in the literature in individuals with a BRCA1-related disease. ClinVar contains an entry for this variant (Variation ID: 37427). This variant is not present in population databases (ExAC no frequency). This sequence change replaces asparagine with tyrosine at codon 564 of the BRCA1 protein (p.Asn564Tyr). The asparagine residue is weakly conserved and there is a large physicochemical difference between asparagine and tyrosine. In summary, this variant has uncertain impact on BRCA1 function. The available evidence is currently insufficient to determine its role in disease. Therefore, it has been classified as a Variant of Uncertain Significance.

Sharing Clinical Reports Project (SCRP)
Classification: Uncertain significance for Breast-ovarian cancer, familial 1. Last evaluated: 2008-12-16. Review status: no assertion criteria provided. Collection method: clinical testing. Allele origin: germline. Not counted in ClinVar's aggregate classification.